The following is an entry in ClinVar:

ClinVar aggregate classification (germline): Benign (1 of 4 stars; one submission).

Conditions:
Prostate cancer, hereditary, 9 (HPC9). Identifiers: Orphanet 1331, MedGen C1970250, MONDO:0012597, OMIM 610997.

gnomAD v4.1: 1 of 1,614,166 alleles (0.000062%); highest among the groups gnomAD compares: Non-Finnish European, 0.000085%; no homozygotes.

Submission:

Myriad Genetics, Inc.
Classification: Benign for Prostate cancer, hereditary, 9. Last evaluated: 2024-10-29. Review status: criteria provided, single submitter. Criteria: Myriad Autosomal Dominant, Autosomal Recessive and X-Linked Classification Criteria (2023). Collection method: clinical testing. Allele origin: unknown.
Comment: This variant is considered benign. This variant is a silent/synonymous amino acid change and it is not expected to impact splicing.

NM_006361.6(HOXB13):c.333G>C (p.Ala111=)

Gene: HOXB13 (homeobox B13; minus strand). Cytogenetic location: 17q21.32.
Variant type: single nucleotide variant.
Coding change: c.333G>C on transcript NM_006361.6 (MANE Select); coding-DNA position 333, G replaced by C.
Protein change: p.Ala111=; no amino-acid change (alanine 111 retained).
Molecular consequence: synonymous variant.
Genome position (GRCh38, 1-based): chr17:48,728,261, C>G on the plus strand (G>C on the coding strand, the complement: HOXB13 is on the minus strand). VCF-style: chr17-48728261-C-G. GRCh37 (hg19) VCF-style: chr17-46805623-C-G.
Identifiers: ClinVar variation 3773167 (VCV003773167.1).